The following is an entry in ClinVar:

ClinVar aggregate classification (germline): Likely benign. Review status: criteria provided, multiple submitters, no conflicts (2 of 4 stars). 4 submissions from 4 submitters: Likely benign (3). 1 of the submissions does not count toward it. Last evaluated 2026-01-19.

Conditions:
Dyskeratosis congenita, autosomal dominant 2. Identifiers: MedGen C3151443, MONDO:0013521, OMIM 613989.
Idiopathic Pulmonary Fibrosis. Also called: Idiopathic fibrosing alveolitis, chronic form; idiopathic fibrosing alveolitis. Identifiers: Orphanet 2032, MedGen C1800706, MeSH D054990, MONDO:0800504.
Dyskeratosis congenita. Identifiers: Orphanet 1775, MedGen C0265965, MONDO:0015780.
TERT-related disorder. Also called: TERT-related condition; TERT-related disorders.

Allele frequency attached by ClinVar (database versions not stated): gnomAD 0.00002; gnomAD exomes 0.00001; TOPMed 0.00001; ExAC 0.00002.
gnomAD v4.1: 19 of 1,593,268 alleles (0.0012%); highest among the groups gnomAD compares: Non-Finnish European, 0.0015%; no homozygotes.

Submissions (4):

Labcorp Genetics (formerly Invitae), Labcorp
Classification: Likely benign for Dyskeratosis congenita, autosomal dominant 2; Idiopathic Pulmonary Fibrosis. Last evaluated: 2026-01-19. Review status: criteria provided, single submitter. Criteria: Invitae Variant Classification Sherloc (09022015). Collection method: clinical testing. Allele origin: germline.

Blueprint Genetics
Classification: Likely benign. Last evaluated: 2024-10-11. Review status: criteria provided, single submitter. Criteria: ACMG Guidelines, 2015. Collection method: clinical testing. Allele origin: germline.

Ambry Genetics
Classification: Likely benign for Dyskeratosis congenita. Last evaluated: 2022-03-11. Review status: criteria provided, single submitter. Criteria: Ambry Variant Classification Scheme 2023. Collection method: clinical testing. Allele origin: germline.

PreventionGenetics, part of Exact Sciences
Classification: Likely benign for TERT-related condition. Last evaluated: 2020-06-11. Review status: no assertion criteria provided. Collection method: clinical testing. Allele origin: germline. Not counted in ClinVar's aggregate classification.
Comment: This variant is classified as likely benign based on ACMG/AMP sequence variant interpretation guidelines (Richards et al. 2015 PMID: 25741868, with internal and published modifications).

NM_198253.3(TERT):c.867C>T (p.Leu289=)

Gene: TERT (telomerase reverse transcriptase; minus strand). Cytogenetic location: 5p15.33.
Variant type: single nucleotide variant.
Coding change: c.867C>T on transcript NM_198253.3 (MANE Select); coding-DNA position 867, C replaced by T.
Protein change: p.Leu289=; no amino-acid change (leucine 289 retained).
Molecular consequence: synonymous variant. On other transcripts: non-coding transcript variant (2).
Genome position (GRCh38, 1-based): chr5:1,294,019, G>A on the plus strand (C>T on the coding strand, the complement: TERT is on the minus strand). VCF-style: chr5-1294019-G-A. GRCh37 (hg19) VCF-style: chr5-1294134-G-A.
Other names: c.867C>T, p.Leu289= (NM_001193376.3).
Identifiers: ClinVar variation 539278 (VCV000539278.17), dbSNP rs771194908, ClinGen allele CA3184897.
Genomic context (GRCh38, chr5:1,294,019, plus strand): 5'-GGATGGGGGGCCCGCGTGGTGCTGGCGGCCCACGGATGGGTGGGAGTGGCGCGTGCCAGA[G>A]AGCGCACCCTCCAAAGAGGTGGCTTCTTCGGCGGGTCTGGCAGGTGACACCACACAGAAA-3'
Protein context (NP_937983.2, residues 279-299): AEEATSLEGA[Leu289=]SGTRHSHPSV